The following is an entry in ClinVar:

ClinVar aggregate classification (germline): Uncertain significance (1 of 4 stars; one submission).

Conditions:
Familial thoracic aortic aneurysm and aortic dissection (TAAD). Also called: Thoracic aortic aneurysms and dissections. Identifiers: Orphanet 91387, MedGen C4707243, MONDO:0019625.

gnomAD v4.1: 2 of 1,613,994 alleles (0.00012%); highest among the groups gnomAD compares: South Asian, 0.0011%; no homozygotes.

Submission:

Color Diagnostics, LLC DBA Color Health
Classification: Uncertain significance for Familial thoracic aortic aneurysm and aortic dissection. Last evaluated: 2024-03-07. Review status: criteria provided, single submitter. Criteria: ACMG Guidelines, 2015. Collection method: clinical testing. Allele origin: germline.
Comment: This missense variant replaces threonine with isoleucine at codon 1529 of the FBN1 protein. Computational prediction tool is inconclusive regarding the impact of this variant on protein structure and function (internally defined REVEL score threshold 0.5 < inconclusive < 0.7, PMID: 27666373). Splice site prediction tools suggest that this variant may not impact RNA splicing. To our knowledge, functional studies have not been performed for this variant. This variant has not been reported in individuals affected with cardiovascular disorders in the literature. This variant has not been identified in the general population by the Genome Aggregation Database (gnomAD). The available evidence is insufficient to determine the role of this variant in disease conclusively. Therefore, this variant is classified as a Variant of Uncertain Significance.

NM_000138.5(FBN1):c.4586C>T (p.Thr1529Ile)

Gene: FBN1 (fibrillin 1; minus strand). Cytogenetic location: 15q21.1.
Variant type: single nucleotide variant.
Coding change: c.4586C>T on transcript NM_000138.5 (MANE Select); coding-DNA position 4586, C replaced by T.
Protein change: p.Thr1529Ile; replaces threonine 1529 with isoleucine.
Molecular consequence: missense variant.
Genome position (GRCh38, 1-based): chr15:48,468,099, G>A on the plus strand (C>T on the coding strand, the complement: FBN1 is on the minus strand). VCF-style: chr15-48468099-G-A. GRCh37 (hg19) VCF-style: chr15-48760296-G-A.
Other names: short protein forms T1529I.
Identifiers: ClinVar variation 807245 (VCV000807245.15), dbSNP rs794728227, ClinGen allele CA392353181.